The following is an entry in ClinVar:

ClinVar aggregate classification (germline): Uncertain significance (1 of 4 stars; one submission).

Submission:

Labcorp Genetics (formerly Invitae), Labcorp
Classification: Uncertain significance. Last evaluated: 2022-07-26. Review status: criteria provided, single submitter. Criteria: Invitae Variant Classification Sherloc (09022015). Collection method: clinical testing. Allele origin: germline.
Comment: This variant has not been reported in the literature in individuals affected with MATN3-related conditions. This sequence change creates a premature translational stop signal (p.Ile215Asnfs*2) in the MATN3 gene. It is expected to result in an absent or disrupted protein product. However, the current clinical and genetic evidence is not sufficient to establish whether loss-of-function variants in MATN3 cause disease. This variant is not present in population databases (gnomAD no frequency). In summary, the available evidence is currently insufficient to determine the role of this variant in disease. Therefore, it has been classified as a Variant of Uncertain Significance.

NM_002381.5(MATN3):c.643dup (p.Ile215fs)

Gene: MATN3 (matrilin 3; minus strand). Cytogenetic location: 2p24.1.
Variant type: Duplication.
Coding change: c.643dup on transcript NM_002381.5 (MANE Select); coding-DNA position 643, one base duplicated (A; older notation c.643dupA).
Protein change: p.Ile215fs; shifts the reading frame from isoleucine 215.
Molecular consequence: frameshift variant.
Genome position (GRCh38, 1-based): chr2:20,005,891, T duplicated on the plus strand (A on the coding strand, the reverse complement: MATN3 is on the minus strand). VCF-style (leftmost placement, unchanged base first): chr2-20005890-A-AT. GRCh37 (hg19) VCF-style: chr2-20205651-A-AT.
Other names: short protein forms I215fs.
Identifiers: ClinVar variation 2019802 (VCV002019802.4), dbSNP rs2527702751, ClinGen allele CA2580064968.